The following is an entry in ClinVar:

ClinVar aggregate classification (germline): Pathogenic (1 of 4 stars; one submission).

Submission:

Labcorp Genetics (formerly Invitae), Labcorp
Classification: Pathogenic. Last evaluated: 2025-08-07. Review status: criteria provided, single submitter. Criteria: Invitae Variant Classification Sherloc (09022015). Collection method: clinical testing. Allele origin: germline.
Comment: This sequence change creates a premature translational stop signal (p.Val1740Glyfs*23) in the ATR gene. It is expected to result in an absent or disrupted protein product. Loss-of-function variants in ATR are known to be pathogenic (PMID: 21228398, 23144622). This variant is not present in population databases (gnomAD no frequency). This variant has not been reported in the literature in individuals affected with ATR-related conditions. ClinVar contains an entry for this variant (Variation ID: 1434427). Algorithms developed to predict the effect of sequence changes on RNA splicing suggest that this variant may disrupt the consensus splice site. For these reasons, this variant has been classified as Pathogenic.

Literature cited by the submitters: PubMed 21228398; PubMed 23144622.

NM_001184.4(ATR):c.5218dup (p.Val1740fs)

Gene: ATR (ATR checkpoint kinase; minus strand). Cytogenetic location: 3q23.
Variant type: Duplication.
Coding change: c.5218dup on transcript NM_001184.4 (MANE Select); coding-DNA position 5218, one base duplicated (G; older notation c.5218dupG).
Protein change: p.Val1740fs; shifts the reading frame from valine 1740.
Molecular consequence: frameshift variant.
Genome position (GRCh38, 1-based): chr3:142,503,432, C duplicated on the plus strand (G on the coding strand, the reverse complement: ATR is on the minus strand). VCF-style (leftmost placement, unchanged base first): chr3-142503431-A-AC. GRCh37 (hg19) VCF-style: chr3-142222273-A-AC.
Other names: c.5026dup, p.Val1676fs (NM_001354579.2); short protein forms V1676fs, V1740fs.
Identifiers: ClinVar variation 1434427 (VCV001434427.6), dbSNP rs2108351820, ClinGen allele CA2573136671.